The following is an entry in ClinVar:

NM_006516.4(SLC2A1):c.399C>A (p.Cys133Ter)

Gene: SLC2A1 (solute carrier family 2 member 1; minus strand). Cytogenetic location: 1p34.2.
Variant type: single nucleotide variant.
Coding change: c.399C>A on transcript NM_006516.4 (MANE Select); coding-DNA position 399, C replaced by A.
Protein change: p.Cys133Ter; replaces cysteine 133 with a stop codon.
Molecular consequence: nonsense.
Genome position (GRCh38, 1-based): chr1:42,930,743, G>T on the plus strand (C>A on the coding strand, the complement: SLC2A1 is on the minus strand). VCF-style: chr1-42930743-G-T. GRCh37 (hg19) VCF-style: chr1-43396414-G-T.
Other names: short protein forms C133*.
Identifiers: ClinVar variation 1189059 (VCV001189059.4), dbSNP rs11537641, ClinGen allele CA339960869.

ClinVar aggregate classification (germline): Pathogenic. Review status: criteria provided, multiple submitters, no conflicts (2 of 4 stars). 2 submissions from 2 submitters: Pathogenic (2). Last evaluated 2025-11-20.

Conditions:
Epilepsy, idiopathic generalized, susceptibility to, 12 (EIG12). Identifiers: MedGen C3553859, MONDO:0013919, OMIM 614847.
Dystonia 9 (DYT9). Also called: CHOREOATHETOSIS, KINESIGENIC, WITH EPISODIC ATAXIA AND SPASTICITY. Identifiers: Orphanet 53583, MedGen C1832855, MONDO:0010983, OMIM 601042.
Hereditary cryohydrocytosis with reduced stomatin. Also called: Stomatin-deficient cryohydrocytosis with neurologic defects; GLUT1 DEFICIENCY SYNDROME WITH PSEUDOHYPERKALEMIA AND HEMOLYSIS. Identifiers: Orphanet 168577, MedGen C1837206, MONDO:0012143, OMIM 608885.
Encephalopathy due to GLUT1 deficiency. Also called: De Vivo disease; GLUT1 deficiency syndrome 1, infantile onset, severe; Classic Glucose Transporter Type 1 Deficiency Syndrome; GLUT1 deficiency syndrome 1; GLUCOSE TRANSPORT DEFECT, BLOOD-BRAIN BARRIER; Glucose transporter protein syndrome. Identifiers: Orphanet 71277, MedGen C4551966, MONDO:0011724, OMIM 606777.
Childhood onset GLUT1 deficiency syndrome 2. Also called: PxMD-SLC2A1; GLUT1 deficiency syndrome 2; Exertion-induced paroxysmal dyskinesia; Paroxysmal exercise-induced dystonia; PAROXYSMAL EXERCISE-INDUCED DYSKINESIA WITH OR WITHOUT EPILEPSY AND/OR HEMOLYTIC ANEMIA; PAROXYSMAL EXERTION-INDUCED DYSTONIA WITH OR WITHOUT EPILEPSY AND/OR HEMOLYTIC ANEMIA. Identifiers: Orphanet 98811, MedGen C1842534, MONDO:0012805, OMIM 612126.

Submissions (2):

GeneDx
Classification: Pathogenic. Last evaluated: 2025-11-20. Review status: criteria provided, single submitter. Criteria: GeneDx Variant Classification Process June 2021. Collection method: clinical testing. Allele origin: germline. Affected: yes.
Comment: Nonsense variant predicted to result in protein truncation or nonsense mediated decay in a gene for which loss of function is a known mechanism of disease; Not observed at significant frequency in large population cohorts (gnomAD); This variant is associated with the following publications: (PMID: 11603379, 15132717, 12181017)

Juno Genomics, Hangzhou Juno Genomics, Inc
Classification: Pathogenic for Hereditary cryohydrocytosis with reduced stomatin; Epilepsy, idiopathic generalized, susceptibility to, 12; Dystonia 9; Encephalopathy due to GLUT1 deficiency; Childhood onset GLUT1 deficiency syndrome 2. Review status: criteria provided, single submitter. Criteria: ACMG Guidelines, 2015. Collection method: clinical testing. Allele origin: germline. Affected: yes.
Comment: Absent from controls (or at extremely low frequency if recessive) in Genome Aggregation Database, Exome Sequencing Project, 1000 Genomes Project, or Exome Aggregation Consortium.;Null variant in a gene where loss of function (LOF) is a known mechanism of disease.;The prevalence of the variant in affected individuals is significantly increased compared to the prevalence in controls.